The following is an entry in ClinVar:

NM_000077.5(CDKN2A):c.387C>A (p.Tyr129Ter)

Gene: CDKN2A (cyclin dependent kinase inhibitor 2A; minus strand). Cytogenetic location: 9p21.3.
Variant type: single nucleotide variant.
Coding change: c.387C>A on transcript NM_000077.5; coding-DNA position 387, C replaced by A.
Protein change: p.Tyr129Ter; replaces tyrosine 129 with a stop codon.
Molecular consequence: nonsense (on NM_000077.6). On other transcripts: 3 prime UTR variant (2).
Genome position (GRCh38, 1-based): chr9:21,970,972, G>T on the plus strand (C>A on the coding strand, the complement: CDKN2A is on the minus strand). VCF-style: chr9-21970972-G-T. GRCh37 (hg19) VCF-style: chr9-21970971-G-T.
Other names: c.387C>A, p.Tyr129Ter (NM_000077.6, NM_001195132.2); c.234C>A, p.Tyr78Ter (NM_001363763.2); c.*31C>A (NM_058195.4); c.*310C>A (NM_058197.5); short protein forms Y78*, Y129*.
Identifiers: ClinVar variation 2146592 (VCV002146592.6), dbSNP rs1554653922, ClinGen allele CA373085935.
Genomic context (GRCh38, chr9:21,970,972, plus strand): 5'-TTCCGCGGCATCTATGCGGGCATGGTTACTGCCTCTGGTGCCCCCCGCAGCCGCGCGCAG[G>T]TACCGTGCGACATCGCGATGGCCCAGCTCCTCAGCCAGGTCCACGGGCAGACGGCCCCAG-3'

ClinVar aggregate classification (germline): Pathogenic. Review status: criteria provided, multiple submitters, no conflicts (2 of 4 stars). 2 submissions from 2 submitters: Pathogenic (2). Last evaluated 2026-05-28.

Conditions:
Familial melanoma. Also called: Hereditary melanoma; Hereditary cutaneous melanoma. Identifiers: Orphanet 618, MedGen C1512419, MONDO:0018961.
Hereditary cancer-predisposing syndrome. Also called: Neoplastic Syndromes, Hereditary; Tumor predisposition; Hereditary Cancer Syndrome; Hereditary neoplastic syndrome. Identifiers: Orphanet 140162, MedGen C0027672, MeSH D009386, MONDO:0015356.

Submissions (3):

Ambry Genetics
Classification: Pathogenic for Hereditary cancer-predisposing syndrome. Last evaluated: 2026-05-28. Review status: criteria provided, single submitter. Criteria: Ambry Variant Classification Scheme 2023. Collection method: clinical testing. Allele origin: germline.
Comment: The p.Y129* variant (also known as c.387C>A), located in coding exon 2 of the CDKN2A gene, results from a C to A substitution at nucleotide position 387. This changes the amino acid from a tyrosine to a stop codon within coding exon 2. In silico splice site analysis predicts that this alteration will result in the creation or strengthening of a novel splice donor site; however, direct evidence is insufficient at this time (Ambry internal data). This variant is considered to be rare based on population cohorts in the Genome Aggregation Database (gnomAD). This alteration is expected to result in loss of function by premature protein truncation or nonsense-mediated mRNA decay. As such, this alteration is interpreted as a disease-causing mutation.

Labcorp Genetics (formerly Invitae), Labcorp
Classification: Pathogenic for Familial melanoma. Last evaluated: 2022-07-13. Review status: criteria provided, single submitter. Criteria: Invitae Variant Classification Sherloc (09022015). Collection method: clinical testing. Allele origin: germline.
Comment: This sequence change creates a premature translational stop signal (p.Tyr129*) in the CDKN2A (p16INK4a) gene. It is expected to result in an absent or disrupted protein product. Loss-of-function variants in CDKN2A (p16INK4a) are known to be pathogenic (PMID: 15146471, 16905682). This variant is not present in population databases (gnomAD no frequency). This premature translational stop signal has been observed in individual(s) with melanoma (PMID: 12950144). Algorithms developed to predict the effect of sequence changes on RNA splicing suggest that this variant may disrupt the consensus splice site. For these reasons, this variant has been classified as Pathogenic.

Dr. Peter K. Rogan Lab, Western University
No classification provided (evidence only). Condition: Squamous cell carcinoma of the head and neck. Review status: no classification provided. Collection method: in vitro. Allele origin: not applicable. Functional consequence: cryptic splice site. Not counted in ClinVar's aggregate classification.

Literature cited by the submitters: PubMed 15146471 (cited by Labcorp Genetics (formerly Invitae), Labcorp); PubMed 16905682 (cited by Labcorp Genetics (formerly Invitae), Labcorp); PubMed 12950144 (cited by Labcorp Genetics (formerly Invitae), Labcorp).